The following is an entry in ClinVar:

ClinVar aggregate classification (germline): Uncertain significance (1 of 4 stars; one submission).

Conditions:
Dyskeratosis congenita, autosomal dominant 1 (DKCA1). Also called: Dyskeratosis congenita Scoggins type. Identifiers: Orphanet 1775, MedGen C4551974, MONDO:0007485, OMIM 127550. Inheritance: Variable.

Submission:

Labcorp Genetics (formerly Invitae), Labcorp
Classification: Uncertain significance for Dyskeratosis congenita, autosomal dominant 1. Last evaluated: 2023-02-18. Review status: criteria provided, single submitter. Criteria: Invitae Variant Classification Sherloc (09022015). Collection method: clinical testing. Allele origin: germline.
Comment: This variant is located within the conserved regions 4 and 5 (CR4-CR5) domain of the TERC RNA component, which is required for telomerase activity (PMID: 15082312, 21844345). This variant has not been reported in the literature in individuals affected with TERC-related conditions. This variant is not present in population databases (gnomAD no frequency). This variant occurs in the TERC gene, which encodes an RNA molecule that does not result in a protein product. In summary, the available evidence is currently insufficient to determine the role of this variant in disease. Therefore, it has been classified as a Variant of Uncertain Significance.

Literature cited by the submitters: PubMed 15082312; PubMed 21844345.

NC_000003.12:g.169764808C>T

Genes: TERC (telomerase RNA component; minus strand), LOC110806306 (telomerase RNA component (TERC) promoter; plus strand). Cytogenetic location: 3q26.2.
Variant type: single nucleotide variant.
Genome position: GRCh38 VCF-style: chr3-169764808-C-T. GRCh37 (hg19) VCF-style: chr3-169482596-C-T.
Identifiers: ClinVar variation 2120824 (VCV002120824.4), dbSNP rs2474262201, ClinGen allele CA436715268.